The following is an entry in ClinVar:

ClinVar aggregate classification (germline): Uncertain significance (1 of 4 stars; one submission).

Conditions:
Hereditary cancer-predisposing syndrome. Also called: Neoplastic Syndromes, Hereditary; Tumor predisposition; Hereditary Cancer Syndrome; Hereditary neoplastic syndrome. Identifiers: Orphanet 140162, MedGen C0027672, MeSH D009386, MONDO:0015356.

Submission:

Ambry Genetics
Classification: Uncertain significance for Hereditary cancer-predisposing syndrome. Last evaluated: 2025-06-16. Review status: criteria provided, single submitter. Criteria: Ambry Variant Classification Scheme 2023. Collection method: clinical testing. Allele origin: germline.
Comment: The p.T547N variant (also known as c.1640C>A), located in coding exon 6 of the BLM gene, results from a C to A substitution at nucleotide position 1640. The threonine at codon 547 is replaced by asparagine, an amino acid with similar properties. This amino acid position is conserved. In addition, this alteration is predicted to be tolerated by in silico analysis. Based on the available evidence, the clinical significance of this variant remains unclear.

NM_000057.4(BLM):c.1640C>A (p.Thr547Asn)

Gene: BLM (BLM RecQ like helicase; plus strand). Cytogenetic location: 15q26.1.
Variant type: single nucleotide variant.
Coding change: c.1640C>A on transcript NM_000057.4 (MANE Select); coding-DNA position 1640, C replaced by A.
Protein change: p.Thr547Asn; replaces threonine 547 with asparagine.
Molecular consequence: missense variant.
Genome position (GRCh38, 1-based): chr15:90,761,013, C>A. VCF-style: chr15-90761013-C-A. GRCh37 (hg19) VCF-style: chr15-91304243-C-A.
Other names: c.1640C>A, p.Thr547Asn (NM_001287246.2, NM_001287247.2); c.515C>A, p.Thr172Asn (NM_001287248.2); short protein forms T172N, T547N.
Identifiers: ClinVar variation 4211553 (VCV004211553.1).
Genomic context (GRCh38, chr15:90,761,013, plus strand): 5'-GCACTGCTGTGAAAGATCAGAATAAACATACTGCTTCAATAAATGACTTAGAAAGAGAAA[C>A]CCAACCTTCCTATGATATTGATAATTTTGACATAGATGACTTTGATGATGATGATGACTG-3'
Protein context (NP_000048.1, residues 537-557): TASINDLERE[Thr547Asn]QPSYDIDNFD